The following is an entry in ClinVar:

NM_001365902.3(NFIX):c.818+5G>A

Gene: NFIX (nuclear factor I X; plus strand). Cytogenetic location: 19p13.13.
Variant type: single nucleotide variant.
Coding change: c.818+5G>A on transcript NM_001365902.3 (MANE Select); 5 bases into the intron after coding-DNA position 818, G replaced by A.
Molecular consequence: intron variant.
Genome position (GRCh38, 1-based): chr19:13,074,031, G>A. VCF-style: chr19-13074031-G-A. GRCh37 (hg19) VCF-style: chr19-13184845-G-A.
Other names: c.818+5G>A (NM_002501.4, NM_001365982.2); c.794+5G>A (NM_001378404.1, NM_001271044.3); c.866+5G>A (NM_001378405.1); c.677+5G>A (NM_001365983.2); c.842+5G>A (NM_001271043.2); c.815+5G>A (NM_001365984.2, NM_001365985.2).
Identifiers: ClinVar variation 950716 (VCV000950716.9), dbSNP rs2016924041, ClinGen allele CA993697047.

ClinVar aggregate classification (germline): Uncertain significance. Review status: criteria provided, multiple submitters, no conflicts (2 of 4 stars). 2 submissions from 2 submitters: Uncertain significance (2). Last evaluated 2026-01-31.

Conditions:
Marshall-Smith syndrome (MRSHSS). Identifiers: Orphanet 561, MedGen C0265211, MONDO:0011244, OMIM 602535.
Malan overgrowth syndrome (MALNS). Also called: MALAN SYNDROME; NFIX-Related Malan Syndrome; Sotos syndrome 2. Identifiers: Orphanet 420179, MedGen C3553660, MONDO:0013885, OMIM 614753.

Allele frequency attached by ClinVar (database versions not stated): gnomAD 0.00001; TOPMed 0.00002.
gnomAD v4.1: 2 of 1,613,708 alleles (0.00012%); highest among the groups gnomAD compares: Admixed American, 0.0017%; no homozygotes.

Submissions (2):

GeneDx
Classification: Uncertain significance. Last evaluated: 2026-01-31. Review status: criteria provided, single submitter. Criteria: GeneDx Variant Classification Process June 2021. Collection method: clinical testing. Allele origin: germline.
Comment: Not observed at significant frequency in large population cohorts (gnomAD); In silico analysis supports a deleterious effect on splicing; Has not been previously published as pathogenic or benign to our knowledge

Labcorp Genetics (formerly Invitae), Labcorp
Classification: Uncertain significance for Malan overgrowth syndrome; Marshall-Smith syndrome. Last evaluated: 2025-02-02. Review status: criteria provided, single submitter. Criteria: Invitae Variant Classification Sherloc (09022015). Collection method: clinical testing. Allele origin: germline.
Comment: This sequence change falls in intron 5 of the NFIX gene. It does not directly change the encoded amino acid sequence of the NFIX protein. It affects a nucleotide within the consensus splice site. This variant is not present in population databases (gnomAD no frequency). This variant has not been reported in the literature in individuals affected with NFIX-related conditions. ClinVar contains an entry for this variant (Variation ID: 950716). Variants that disrupt the consensus splice site are a relatively common cause of aberrant splicing (PMID: 17576681, 9536098). Algorithms developed to predict the effect of sequence changes on RNA splicing suggest that this variant may create or strengthen a splice site. In summary, the available evidence is currently insufficient to determine the role of this variant in disease. Therefore, it has been classified as a Variant of Uncertain Significance.

Literature cited by the submitters: PubMed 17576681 (cited by Labcorp Genetics (formerly Invitae), Labcorp); PubMed 9536098 (cited by Labcorp Genetics (formerly Invitae), Labcorp).